The following is an entry in ClinVar:

NM_139315.3(TAF6):c.971A>T (p.Asp324Val)

Gene: TAF6 (TATA-box binding protein associated factor 6; minus strand). Cytogenetic location: 7q22.1.
Variant type: single nucleotide variant.
Coding change: c.971A>T on transcript NM_139315.3 (MANE Select); coding-DNA position 971, A replaced by T.
Protein change: p.Asp324Val; replaces aspartic acid 324 with valine.
Molecular consequence: missense variant. On other transcripts: non-coding transcript variant (1).
Genome position (GRCh38, 1-based): chr7:100,111,251, T>A on the plus strand (A>T on the coding strand, the complement: TAF6 is on the minus strand). VCF-style: chr7-100111251-T-A. GRCh37 (hg19) VCF-style: chr7-99708874-T-A.
Other names: c.1082A>T, p.Asp361Val (NM_001190415.2); c.971A>T, p.Asp324Val (NM_001364998.1, NM_001364999.1, NM_005641.4); c.941A>T, p.Asp314Val (NM_001365000.1, NM_001365001.1, NM_001365002.1 and 1 more transcripts); c.1109A>T, p.Asp370Val (NM_001365004.1); short protein forms D324V, D361V, D314V, D370V.
Identifiers: ClinVar variation 450536 (VCV000450536.2), dbSNP rs1554386934, ClinGen allele CA368486728.
Genomic context (GRCh38, chr7:100,111,251, plus strand): 5'-AAATGCTTGCAGATCTGGGCCACCAGGCGGGCAGCAAAGTCTCGGAGTGCCCAGTGATTG[T>A]CCACATCTGGTCGCAGGCACAACTGTCTGCTCACGATGCAGGTCATCACAGCTGGAATCA-3'
Protein context (NP_647476.1, residues 314-334): SRQLCLRPDV[Asp324Val]NHWALRDFAA

ClinVar aggregate classification (germline): Uncertain significance (1 of 4 stars; one submission).

Submission:

GeneDx
Classification: Uncertain significance. Last evaluated: 2017-07-25. Review status: criteria provided, single submitter. Criteria: GeneDx Variant Classification (06012015). Collection method: clinical testing. Allele origin: germline. Affected: yes.
Comment: The D324V variant in the TAF6 gene has not been reported previously as a pathogenic variant, nor as a benign variant, to our knowledge. The D324V variant is not observed in large population cohorts (Lek et al., 2016; 1000 Genomes Consortium et al., 2015; Exome Variant Server). The D324V variant is a non-conservative amino acid substitution, which is likely to impact secondary protein structure as these residues differ in polarity, charge, size and/or other properties. This substitution occurs at a position that is conserved across species, and in silico analysis predicts this variant is probably damaging to the protein structure/function. We interpret D324V as a variant of uncertain significance.